The following is an entry in ClinVar:

NM_000057.4(BLM):c.3413C>T (p.Ser1138Leu)

Gene: BLM (BLM RecQ like helicase; plus strand). Cytogenetic location: 15q26.1.
Variant type: single nucleotide variant.
Coding change: c.3413C>T on transcript NM_000057.4 (MANE Select); coding-DNA position 3413, C replaced by T.
Protein change: p.Ser1138Leu; replaces serine 1138 with leucine.
Molecular consequence: missense variant. On other transcripts: intron variant (1).
Genome position (GRCh38, 1-based): chr15:90,803,575, C>T. VCF-style: chr15-90803575-C-T. GRCh37 (hg19) VCF-style: chr15-91346805-C-T.
Other names: c.3413C>T, p.Ser1138Leu (NM_001287246.2); c.2288C>T, p.Ser763Leu (NM_001287248.2); c.3358+5238C>T (NM_001287247.2); short protein forms S763L, S1138L.
Identifiers: ClinVar variation 2158806 (VCV002158806.5), dbSNP rs2505546920, ClinGen allele CA393847544.
Genomic context (GRCh38, chr15:90,803,575, plus strand): 5'-TATCAGGGAGTAAGAGTGCAAAAATCCAGTCAGGTATATTTGGAAAAGGATCTGCTTATT[C>T]ACGACACAATGCCGAAAGACTTTTTAAAAAGCTGATACTTGACAAGATTTTGGATGAAGA-3'
Protein context (NP_000048.1, residues 1128-1148): SGIFGKGSAY[Ser1138Leu]RHNAERLFKK

ClinVar aggregate classification (germline): Uncertain significance. Review status: criteria provided, multiple submitters, no conflicts (2 of 4 stars). 2 submissions from 2 submitters: Uncertain significance (2). Last evaluated 2025-02-01.

Conditions:
Hereditary cancer-predisposing syndrome. Also called: Tumor predisposition; Hereditary neoplastic syndrome; Neoplastic Syndromes, Hereditary; Hereditary Cancer Syndrome. Identifiers: Orphanet 140162, MedGen C0027672, MeSH D009386, MONDO:0015356.
Bloom syndrome (BLM). Also called: Bloom-Torre-Machacek syndrome. Identifiers: Orphanet 125, MedGen C0005859, MONDO:0008876, OMIM 210900.

Submissions (2):

Ambry Genetics
Classification: Uncertain significance for Hereditary cancer-predisposing syndrome. Last evaluated: 2025-02-01. Review status: criteria provided, single submitter. Criteria: Ambry Variant Classification Scheme 2023. Collection method: clinical testing. Allele origin: germline.
Comment: The p.S1138L variant (also known as c.3413C>T), located in coding exon 17 of the BLM gene, results from a C to T substitution at nucleotide position 3413. The serine at codon 1138 is replaced by leucine, an amino acid with dissimilar properties. This amino acid position is conserved. In addition, this alteration is predicted to be deleterious by in silico analysis. Based on the available evidence, the clinical significance of this variant remains unclear.

Labcorp Genetics (formerly Invitae), Labcorp
Classification: Uncertain significance for Bloom syndrome. Last evaluated: 2022-07-29. Review status: criteria provided, single submitter. Criteria: Invitae Variant Classification Sherloc (09022015). Collection method: clinical testing. Allele origin: germline.
Comment: This sequence change replaces serine, which is neutral and polar, with leucine, which is neutral and non-polar, at codon 1138 of the BLM protein (p.Ser1138Leu). This variant is not present in population databases (gnomAD no frequency). This variant has not been reported in the literature in individuals affected with BLM-related conditions. Algorithms developed to predict the effect of missense changes on protein structure and function are either unavailable or do not agree on the potential impact of this missense change (SIFT: "Deleterious"; PolyPhen-2: "Probably Damaging"; Align-GVGD: "Class C15"). In summary, the available evidence is currently insufficient to determine the role of this variant in disease. Therefore, it has been classified as a Variant of Uncertain Significance.